The following is an entry in ClinVar:

ClinVar aggregate classification (germline): Uncertain significance (0 of 4 stars; one submission).

Conditions:
NEB-related disorder. Also called: NEB-related condition; NEB-Related Disorders.

Submission:

PreventionGenetics, part of Exact Sciences
Classification: Uncertain significance for NEB-related condition. Last evaluated: 2023-11-22. Review status: no assertion criteria provided. Collection method: clinical testing. Allele origin: germline.
Comment: The NEB c.6797T>C variant is predicted to result in the amino acid substitution p.Leu2266Pro. To our knowledge, this variant has not been reported in the literature or in a large population database, indicating this variant is rare. At this time, the clinical significance of this variant is uncertain due to the absence of conclusive functional and genetic evidence.

NM_001164508.2(NEB):c.6797T>C (p.Leu2266Pro)

Gene: NEB (nebulin; minus strand). Cytogenetic location: 2q23.3.
Variant type: single nucleotide variant.
Coding change: c.6797T>C on transcript NM_001164508.2 (MANE Select); coding-DNA position 6797, T replaced by C.
Protein change: p.Leu2266Pro; replaces leucine 2266 with proline.
Molecular consequence: missense variant.
Genome position (GRCh38, 1-based): chr2:151,655,280, A>G on the plus strand (T>C on the coding strand, the complement: NEB is on the minus strand). VCF-style: chr2-151655280-A-G. GRCh37 (hg19) VCF-style: chr2-152511794-A-G.
Other names: c.6797T>C, p.Leu2266Pro (NM_001164507.2, NM_001271208.2, NM_004543.5); short protein forms L2266P.
Identifiers: ClinVar variation 3061648 (VCV003061648.2), dbSNP rs2552252185, ClinGen allele CA348793938.